The following is an entry in ClinVar:

ClinVar aggregate classification (germline): Uncertain significance (1 of 4 stars; one submission).

Submission:

GeneDx
Classification: Uncertain significance. Last evaluated: 2024-12-13. Review status: criteria provided, single submitter. Criteria: GeneDx Variant Classification Process June 2021. Collection method: clinical testing. Allele origin: germline. Affected: yes.
Comment: Not observed at significant frequency in large population cohorts (gnomAD); Has not been previously published as pathogenic or benign to our knowledge; Nonsense variant predicted to result in protein truncation or nonsense mediated decay in a gene for which loss-of-function is not an established mechanism of disease

NM_173500.4(TTBK2):c.1018C>T (p.Arg340Ter)

Gene: TTBK2 (tau tubulin kinase 2; minus strand). Cytogenetic location: 15q15.2.
Variant type: single nucleotide variant.
Coding change: c.1018C>T on transcript NM_173500.4 (MANE Select); coding-DNA position 1018, C replaced by T.
Protein change: p.Arg340Ter; replaces arginine 340 with a stop codon.
Molecular consequence: nonsense.
Genome position (GRCh38, 1-based): chr15:42,783,598, G>A on the plus strand (C>T on the coding strand, the complement: TTBK2 is on the minus strand). VCF-style: chr15-42783598-G-A. GRCh37 (hg19) VCF-style: chr15-43075796-G-A.
Other names: short protein forms R340*.
Identifiers: ClinVar variation 3903399 (VCV003903399.1).